The following is an entry in ClinVar:

ClinVar aggregate classification (germline): Uncertain significance. Review status: criteria provided, multiple submitters, no conflicts (2 of 4 stars). 3 submissions from 3 submitters: Uncertain significance (3). Last evaluated 2024-03-30.

Conditions:
Inborn genetic diseases. Identifiers: MedGen C0950123, MeSH D030342.
Acrocallosal syndrome (ACLS). Also called: Schinzel syndrome 1; Absence of corpus callosum with unusual facial appearance, mental deficiency, duplication of the halluces and polydactyly; HALLUX DUPLICATION, POSTAXIAL POLYDACTYLY, AND ABSENCE OF CORPUS CALLOSUM. Identifiers: Orphanet 36, MedGen C0796147, MONDO:0008708, OMIM 200990.

Allele frequency attached by ClinVar (database versions not stated): gnomAD 0.00004 and 0.00005; TOPMed 0.00006; gnomAD exomes 0.00010; 1000 Genomes Project 0.00020; 1000 Genomes Project 30x 0.00031.
gnomAD v4.1: 75 of 1,551,828 alleles (0.0048%); highest among the groups gnomAD compares: Admixed American, 0.027%; no homozygotes.

Submissions (3):

Ambry Genetics
Classification: Uncertain significance for Inborn genetic diseases. Last evaluated: 2024-03-30. Review status: criteria provided, single submitter. Criteria: Ambry Variant Classification Scheme 2023. Collection method: clinical testing. Allele origin: germline.

Labcorp Genetics (formerly Invitae), Labcorp
Classification: Uncertain significance for Acrocallosal syndrome. Last evaluated: 2023-11-13. Review status: criteria provided, single submitter. Criteria: Invitae Variant Classification Sherloc (09022015). Collection method: clinical testing. Allele origin: germline.
Comment: This sequence change replaces arginine, which is basic and polar, with cysteine, which is neutral and slightly polar, at codon 173 of the KIF7 protein (p.Arg173Cys). This variant is present in population databases (rs559797970, gnomAD 0.04%). This variant has not been reported in the literature in individuals affected with KIF7-related conditions. ClinVar contains an entry for this variant (Variation ID: 884323). Advanced modeling of protein sequence and biophysical properties (such as structural, functional, and spatial information, amino acid conservation, physicochemical variation, residue mobility, and thermodynamic stability) performed at Invitae indicates that this missense variant is not expected to disrupt KIF7 protein function with a negative predictive value of 80%. In summary, the available evidence is currently insufficient to determine the role of this variant in disease. Therefore, it has been classified as a Variant of Uncertain Significance.

Illumina Laboratory Services, Illumina
Classification: Uncertain significance for Acrocallosal syndrome. Last evaluated: 2018-01-12. Review status: criteria provided, single submitter. Criteria: ICSL Variant Classification Criteria 13 December 2019. Collection method: clinical testing. Allele origin: germline.

NM_198525.3(KIF7):c.517C>T (p.Arg173Cys)

Gene: KIF7 (kinesin family member 7; minus strand). Cytogenetic location: 15q26.1.
Variant type: single nucleotide variant.
Coding change: c.517C>T on transcript NM_198525.3 (MANE Select); coding-DNA position 517, C replaced by T.
Protein change: p.Arg173Cys; replaces arginine 173 with cysteine.
Molecular consequence: missense variant.
Genome position (GRCh38, 1-based): chr15:89,649,753, G>A on the plus strand (C>T on the coding strand, the complement: KIF7 is on the minus strand). VCF-style: chr15-89649753-G-A. GRCh37 (hg19) VCF-style: chr15-90192984-G-A.
Other names: short protein forms R173C.
Identifiers: ClinVar variation 884323 (VCV000884323.8), dbSNP rs559797970, ClinGen allele CA274583076.